The following is an entry in ClinVar:

ClinVar aggregate classification (germline): Benign (1 of 4 stars; one submission).

Allele frequency attached by ClinVar (database versions not stated): TOPMed 0.11953; gnomAD 0.12185 and 0.12582; gnomAD exomes 0.13469; 1000 Genomes Project 30x 0.14522; 1000 Genomes Project 0.14796.
gnomAD v4.1: 91,120 of 686,874 alleles (13%); highest among the groups gnomAD compares: South Asian, 27%; 7,087 homozygotes.

Submission:

GeneDx
Classification: Benign. Last evaluated: 2018-06-20. Review status: criteria provided, single submitter. Criteria: GeneDx Variant Classification (06012015). Collection method: clinical testing. Allele origin: germline. Affected: yes.
Comment: This variant is considered likely benign or benign based on one or more of the following criteria: it is a conservative change, it occurs at a poorly conserved position in the protein, it is predicted to be benign by multiple in silico algorithms, and/or has population frequency not consistent with disease.

NM_003073.5(SMARCB1):c.628+200T>C

Gene: SMARCB1 (SWI/SNF related BAF chromatin remodeling complex subunit B1; plus strand). Cytogenetic location: 22q11.23.
Variant type: single nucleotide variant.
Coding change: c.628+200T>C on transcript NM_003073.5 (MANE Select); 200 bases into the intron after coding-DNA position 628, T replaced by C.
Molecular consequence: intron variant.
Genome position (GRCh38, 1-based): chr22:23,803,622, T>C. VCF-style: chr22-23803622-T-C. GRCh37 (hg19) VCF-style: chr22-24145809-T-C.
Other names: c.682+200T>C (NM_001362877.2); c.655+200T>C (NM_001317946.2); c.601+200T>C (NM_001007468.3).
Identifiers: ClinVar variation 677096 (VCV000677096.1), dbSNP rs17003912, ClinGen allele CA16596687.